The following is an entry in ClinVar:

ClinVar aggregate classification (germline): Likely benign. Review status: criteria provided, multiple submitters, no conflicts (2 of 4 stars). 4 submissions from 4 submitters: Likely benign (4). Last evaluated 2025-09-22.

Conditions:
Catecholaminergic polymorphic ventricular tachycardia 1. Also called: VENTRICULAR TACHYCARDIA, CATECHOLAMINERGIC POLYMORPHIC, 1, WITH OR WITHOUT ATRIAL DYSFUNCTION AND/OR DILATED CARDIOMYOPATHY; RYR2-Related Catecholaminergic Polymorphic Ventricular Tachycardia; VENTRICULAR TACHYCARDIA, STRESS-INDUCED POLYMORPHIC 1. Identifiers: Orphanet 3286, MedGen C1631597, MONDO:0011484, OMIM 604772.
Cardiovascular phenotype. Identifiers: MedGen CN230736.
Catecholaminergic polymorphic ventricular tachycardia (CVPT). Also called: Catecholamine-induced polymorphic ventricular tachycardia. Identifiers: Orphanet 3286, MedGen C5574922, MONDO:0017990.
Cardiomyopathy (CMYO). Also called: Cardiomyopathies. Identifiers: Orphanet 167848, MedGen C0878544, MONDO:0004994, HP:0001638. Inheritance: Various modes of inheritance.

Allele frequency attached by ClinVar (database versions not stated): 1000 Genomes Project 30x 0.00016; gnomAD 0.00001; gnomAD exomes 0.00001; ExAC 0.00002; TOPMed 0.00005.
gnomAD v4.1: 14 of 1,605,484 alleles (0.00087%); highest among the groups gnomAD compares: East Asian, 0.009%; no homozygotes.

Submissions (4):

Labcorp Genetics (formerly Invitae), Labcorp
Classification: Likely benign for Catecholaminergic polymorphic ventricular tachycardia 1. Last evaluated: 2025-09-22. Review status: criteria provided, single submitter. Criteria: Invitae Variant Classification Sherloc (09022015). Collection method: clinical testing. Allele origin: germline.

All of Us Research Program, National Institutes of Health
Classification: Likely benign for Catecholaminergic polymorphic ventricular tachycardia. Last evaluated: 2024-01-11. Review status: criteria provided, single submitter. Criteria: ACMG Guidelines, 2015. Collection method: clinical testing. Allele origin: germline. Inheritance: Autosomal dominant inheritance. Observed: 4 variant alleles, 4 heterozygotes.
Comment: This synonymous variant does not change the amino acid sequence of the RYR2 protein. Splice site prediction tools are inconclusive regarding the impact of this variant on RNA splicing. To our knowledge, functional studies have not been reported for this variant. This variant has not been reported in individuals affected with cardiovascular disorders in the literature. This variant has been identified in 2/238346 chromosomes in the general population by the Genome Aggregation Database (gnomAD). The available evidence is insufficient to determine the role of this variant in disease conclusively. Therefore, this variant is classified as a Variant of Uncertain Significance.

This study involves interpretation of variants in research participants for the purpose of population health screening. Participant phenotype was not available at the time of variant classification. Additional details can be found in publication PMID: 35346344, PMCID: PMC8962531

Ambry Genetics
Classification: Likely benign for Cardiovascular phenotype. Last evaluated: 2024-01-01. Review status: criteria provided, single submitter. Criteria: Ambry Variant Classification Scheme 2023. Collection method: clinical testing. Allele origin: germline.

Color Diagnostics, LLC DBA Color Health
Classification: Likely benign for Cardiomyopathy. Last evaluated: 2023-12-05. Review status: criteria provided, single submitter. Criteria: ACMG Guidelines, 2015. Collection method: clinical testing. Allele origin: germline.

NM_001035.3(RYR2):c.4701G>A (p.Ser1567=)

Gene: RYR2 (ryanodine receptor 2; plus strand). Cytogenetic location: 1q43.
Variant type: single nucleotide variant.
Coding change: c.4701G>A on transcript NM_001035.3 (MANE Select); coding-DNA position 4701, G replaced by A.
Protein change: p.Ser1567=; no amino-acid change (serine 1567 retained).
Molecular consequence: synonymous variant.
Genome position (GRCh38, 1-based): chr1:237,610,779, G>A. VCF-style: chr1-237610779-G-A. GRCh37 (hg19) VCF-style: chr1-237774079-G-A.
Identifiers: ClinVar variation 834247 (VCV000834247.13), dbSNP rs775379095, ClinGen allele CA086712.